The following is an entry in ClinVar:

NM_006393.3(NEBL):c.3002G>A (p.Arg1001Lys)

Gene: NEBL (nebulette; minus strand). Cytogenetic location: 10p12.31.
Variant type: single nucleotide variant.
Coding change: c.3002G>A on transcript NM_006393.3 (MANE Select); coding-DNA position 3002, G replaced by A.
Protein change: p.Arg1001Lys; replaces arginine 1001 with lysine.
Molecular consequence: missense variant. On other transcripts: 3 prime UTR variant (1).
Genome position (GRCh38, 1-based): chr10:20,785,790, C>T on the plus strand (G>A on the coding strand, the complement: NEBL is on the minus strand). VCF-style: chr10-20785790-C-T. GRCh37 (hg19) VCF-style: chr10-21074719-C-T.
Other names: c.*93G>A (NM_001173484.2); c.863G>A, p.Arg288Lys (NM_001377322.1); c.722G>A, p.Arg241Lys (NM_001377323.1); c.713G>A, p.Arg238Lys (NM_001377324.1); c.704G>A, p.Arg235Lys (NM_001377325.1); c.662G>A, p.Arg221Lys (NM_001377326.1, NM_001377327.1, NM_001377328.1); c.770G>A, p.Arg257Lys (NM_213569.2); short protein forms R1001K, R221K, R238K, R241K, R257K, R235K, R288K.
Identifiers: ClinVar variation 4778224 (VCV004778224.1).

ClinVar aggregate classification (germline): Uncertain significance (1 of 4 stars; one submission).

Conditions:
Primary dilated cardiomyopathy (DCM). Also called: Dilated Cardiomyopathy. Identifiers: Orphanet 217604, MedGen C0007193, MeSH D002311, MONDO:0005021, HP:0001644. Inheritance: Various modes of inheritance.

gnomAD v4.1: 7 of 1,614,012 alleles (0.00043%); highest among the groups gnomAD compares: South Asian, 0.0055%; no homozygotes.

Submission:

Labcorp Genetics (formerly Invitae), Labcorp
Classification: Uncertain significance for Primary dilated cardiomyopathy. Last evaluated: 2025-12-25. Review status: criteria provided, single submitter. Criteria: Invitae Variant Classification Sherloc (09022015). Collection method: clinical testing. Allele origin: germline.
Comment: This sequence change replaces arginine, which is basic and polar, with lysine, which is basic and polar, at codon 1001 of the NEBL protein (p.Arg1001Lys). This variant is present in population databases (rs755951769, gnomAD 0.01%). This variant has not been reported in the literature in individuals affected with NEBL-related conditions. An algorithm developed to predict the effect of missense changes on protein structure and function outputs the following: PolyPhen-2: "Benign". The lysine amino acid residue is found in multiple mammalian species, which suggests that this missense change does not adversely affect protein function. In summary, the available evidence is currently insufficient to determine the role of this variant in disease. Therefore, it has been classified as a Variant of Uncertain Significance.